The following is an entry in ClinVar:

ClinVar aggregate classification (germline): Uncertain significance (1 of 4 stars; one submission).

Conditions:
Familial melanoma. Also called: Hereditary melanoma; Hereditary cutaneous melanoma. Identifiers: Orphanet 618, MedGen C1512419, MONDO:0018961.

Submission:

Labcorp Genetics (formerly Invitae), Labcorp
Classification: Uncertain significance for Familial melanoma. Last evaluated: 2025-07-08. Review status: criteria provided, single submitter. Criteria: Invitae Variant Classification Sherloc (09022015). Collection method: clinical testing. Allele origin: germline.
Comment: This sequence change replaces proline, which is neutral and non-polar, with serine, which is neutral and polar, at codon 109 of the CDK4 protein (p.Pro109Ser). This variant is present in population databases (no rsID available, gnomAD 0.006%). This variant has not been reported in the literature in individuals affected with CDK4-related conditions. ClinVar contains an entry for this variant (Variation ID: 1471063). Invitae Evidence Modeling of protein sequence and biophysical properties (such as structural, functional, and spatial information, amino acid conservation, physicochemical variation, residue mobility, and thermodynamic stability) indicates that this missense variant is not expected to disrupt CDK4 protein function with a negative predictive value of 95%. In summary, the available evidence is currently insufficient to determine the role of this variant in disease. Therefore, it has been classified as a Variant of Uncertain Significance.

NM_000075.4(CDK4):c.325C>T (p.Pro109Ser)

Gene: CDK4 (cyclin dependent kinase 4; minus strand). Cytogenetic location: 12q14.1.
Variant type: single nucleotide variant.
Coding change: c.325C>T on transcript NM_000075.4 (MANE Select); coding-DNA position 325, C replaced by T.
Protein change: p.Pro109Ser; replaces proline 109 with serine.
Molecular consequence: missense variant.
Genome position (GRCh38, 1-based): chr12:57,751,236, G>A on the plus strand (C>T on the coding strand, the complement: CDK4 is on the minus strand). VCF-style: chr12-57751236-G-A. GRCh37 (hg19) VCF-style: chr12-58145019-G-A.
Other names: short protein forms P109S.
Identifiers: ClinVar variation 1471063 (VCV001471063.8), dbSNP rs1345420183, ClinGen allele CA385547647.